The following is an entry in ClinVar:

NM_153603.4(COG7):c.2243G>A (p.Arg748Lys)

Gene: COG7 (component of oligomeric golgi complex 7; minus strand). Cytogenetic location: 16p12.2.
Variant type: single nucleotide variant.
Coding change: c.2243G>A on transcript NM_153603.4 (MANE Select); coding-DNA position 2243, G replaced by A.
Protein change: p.Arg748Lys; replaces arginine 748 with lysine.
Molecular consequence: missense variant.
Genome position (GRCh38, 1-based): chr16:23,388,990, C>T on the plus strand (G>A on the coding strand, the complement: COG7 is on the minus strand). VCF-style: chr16-23388990-C-T. GRCh37 (hg19) VCF-style: chr16-23400311-C-T.
Other names: c.2243G>A (NM_153603.3); short protein forms R748K.
Identifiers: ClinVar variation 2197119 (VCV002197119.3), dbSNP rs755971918, ClinGen allele CA7960729.

ClinVar aggregate classification (germline): Uncertain significance. Review status: criteria provided, multiple submitters, no conflicts (2 of 4 stars). 2 submissions from 2 submitters: Uncertain significance (2). Last evaluated 2025-08-22.

Conditions:
COG7 congenital disorder of glycosylation (CDG2E). Also called: CDG IIe; CONGENITAL DISORDER OF GLYCOSYLATION, TYPE IIe. Identifiers: Orphanet 79333, MedGen C2931010, MONDO:0012118, OMIM 608779.
Inborn genetic diseases. Identifiers: MedGen C0950123, MeSH D030342.

Allele frequency attached by ClinVar (database versions not stated): TOPMed below 0.00001; gnomAD 0.00001; ExAC 0.00002; gnomAD exomes 0.00002.
gnomAD v4.1: 32 of 1,613,940 alleles (0.002%); highest among the groups gnomAD compares: South Asian, 0.0033%; no homozygotes.

Submissions (2):

Ambry Genetics
Classification: Uncertain significance for Inborn genetic diseases. Last evaluated: 2025-08-22. Review status: criteria provided, single submitter. Criteria: Ambry Variant Classification Scheme 2023. Collection method: clinical testing. Allele origin: germline.

Labcorp Genetics (formerly Invitae), Labcorp
Classification: Uncertain significance for COG7 congenital disorder of glycosylation. Last evaluated: 2022-02-20. Review status: criteria provided, single submitter. Criteria: Invitae Variant Classification Sherloc (09022015). Collection method: clinical testing. Allele origin: germline.
Comment: This variant is present in population databases (rs755971918, gnomAD 0.006%). In summary, the available evidence is currently insufficient to determine the role of this variant in disease. Therefore, it has been classified as a Variant of Uncertain Significance. Algorithms developed to predict the effect of missense changes on protein structure and function (SIFT, PolyPhen-2, Align-GVGD) all suggest that this variant is likely to be tolerated. This variant has not been reported in the literature in individuals affected with COG7-related conditions. This sequence change replaces arginine, which is basic and polar, with lysine, which is basic and polar, at codon 748 of the COG7 protein (p.Arg748Lys).